The following is an entry in ClinVar:

ClinVar aggregate classification (germline): Uncertain significance (1 of 4 stars; one submission).

Conditions:
Familial adenomatous polyposis 1 (FAP1). Also called: FAMILIAL ADENOMATOUS POLYPOSIS 1, ATTENUATED; POLYPOSIS, ADENOMATOUS INTESTINAL. Identifiers: MedGen C2713442, MONDO:0021056, OMIM 175100. Disease mechanism: loss of function.

Submission:

Labcorp Genetics (formerly Invitae), Labcorp
Classification: Uncertain significance for Familial adenomatous polyposis 1. Last evaluated: 2024-03-06. Review status: criteria provided, single submitter. Criteria: Invitae Variant Classification Sherloc (09022015). Collection method: clinical testing. Allele origin: germline.
Comment: This sequence change replaces alanine, which is neutral and non-polar, with phenylalanine, which is neutral and non-polar, at codon 1492 of the APC protein (p.Ala1492Phe). Information on the frequency of this variant in the gnomAD database is not available, as this variant may be reported differently in the database. This variant has not been reported in the literature in individuals affected with APC-related conditions. An algorithm developed to predict the effect of missense changes on protein structure and function (PolyPhen-2) suggests that this variant is likely to be disruptive. In summary, the available evidence is currently insufficient to determine the role of this variant in disease. Therefore, it has been classified as a Variant of Uncertain Significance.

NM_000038.6(APC):c.4474_4475delinsTT (p.Ala1492Phe)

Gene: APC (APC regulator of Wnt signaling pathway; plus strand). Cytogenetic location: 5q22.2.
Variant type: Indel.
Coding change: c.4474_4475delinsTT on transcript NM_000038.6 (MANE Select); coding-DNA positions 4474 to 4475, GC replaced by TT.
Protein change: p.Ala1492Phe; replaces alanine 1492 with phenylalanine.
Molecular consequence: missense variant. On other transcripts: non-coding transcript variant (2).
Genome position (GRCh38, 1-based): chr5:112,840,068-112,840,069, GC replaced by TT. VCF-style: chr5-112840068-GC-TT. GRCh37 (hg19) VCF-style: chr5-112175765-GC-TT.
Other names: c.4474_4475delinsTT, p.Ala1492Phe (NM_001354895.2, NM_001407450.1, NM_001127510.3); c.4528_4529delinsTT, p.Ala1510Phe (NM_001354896.2, NM_001407447.1, NM_001407448.1 and 1 more transcripts); c.4504_4505delinsTT, p.Ala1502Phe (NM_001354897.2); c.4399_4400delinsTT, p.Ala1467Phe (NM_001354898.2); c.4390_4391delinsTT, p.Ala1464Phe (NM_001354899.2); c.4351_4352delinsTT, p.Ala1451Phe (NM_001354900.2); c.4297_4298delinsTT, p.Ala1433Phe (NM_001354901.2, NM_001407453.1); c.4201_4202delinsTT, p.Ala1401Phe (NM_001354902.2); and 11 more; short protein forms A1467F, A1108F, A1363F, A1366F, A1433F, A1464F, A1482F, A1332F.
Identifiers: ClinVar variation 3644798 (VCV003644798.2).
Genomic context (GRCh38, chr5:112,840,068, plus strand): 5'-GTAAATGCTGCAGTTCAGAGGGTCCAGGTTCTTCCAGATGCTGATACTTTATTACATTTT[GC>TT]CACGGAAAGTACTCCAGATGGATTTTCTTGTTCATCCAGCCTGAGTGCTCTGAGCCTCGA-3'
Protein context (NP_000029.2, residues 1482-1502): LPDADTLLHF[Ala1492Phe]TESTPDGFSC